The following is an entry in ClinVar:

ClinVar aggregate classification (germline): Uncertain significance. Review status: criteria provided, multiple submitters, no conflicts (2 of 4 stars). 2 submissions from 2 submitters: Uncertain significance (2). Last evaluated 2025-12-01.

Conditions:
Inborn genetic diseases. Identifiers: MedGen C0950123, MeSH D030342.
Mosaic variegated aneuploidy syndrome 2 (MVA2). Identifiers: Orphanet 1052, MedGen C3279843, MONDO:0013582, OMIM 614114.

gnomAD v4.1: 3 of 1,614,068 alleles (0.00019%); highest among the groups gnomAD compares: Non-Finnish European, 0.00017%; no homozygotes.

Submissions (2):

Labcorp Genetics (formerly Invitae), Labcorp
Classification: Uncertain significance for Mosaic variegated aneuploidy syndrome 2. Last evaluated: 2025-12-01. Review status: criteria provided, single submitter. Criteria: Invitae Variant Classification Sherloc (09022015). Collection method: clinical testing. Allele origin: germline.
Comment: This sequence change replaces alanine, which is neutral and non-polar, with glycine, which is neutral and non-polar, at codon 4 of the CEP57 protein (p.Ala4Gly). This variant is not present in population databases (gnomAD no frequency). This variant has not been reported in the literature in individuals affected with CEP57-related conditions. ClinVar contains an entry for this variant (Variation ID: 1428423). Experimental studies and prediction algorithms are not available or were not evaluated, and the functional significance of this variant is currently unknown. In summary, the available evidence is currently insufficient to determine the role of this variant in disease. Therefore, it has been classified as a Variant of Uncertain Significance.

Ambry Genetics
Classification: Uncertain significance for Inborn genetic diseases. Last evaluated: 2025-03-27. Review status: criteria provided, single submitter. Criteria: Ambry Variant Classification Scheme 2023. Collection method: clinical testing. Allele origin: germline.
Comment: The p.A4G variant (also known as c.11C>G), located in coding exon 1 of the CEP57 gene, results from a C to G substitution at nucleotide position 11. The alanine at codon 4 is replaced by glycine, an amino acid with similar properties. This amino acid position is conserved. In addition, this alteration is predicted to be tolerated by in silico analysis. Based on the available evidence, the clinical significance of this variant remains unclear.

NM_014679.5(CEP57):c.11C>G (p.Ala4Gly)

Genes: CEP57 (centrosomal protein 57; plus strand), LOC130006618 (ATAC-STARR-seq lymphoblastoid active region 5417; plus strand). Cytogenetic location: 11q21.
Variant type: single nucleotide variant.
Coding change: c.11C>G on transcript NM_014679.5 (MANE Select); coding-DNA position 11, C replaced by G.
Protein change: p.Ala4Gly; replaces alanine 4 with glycine.
Molecular consequence: missense variant. On other transcripts: 5 prime UTR variant (2).
Genome position (GRCh38, 1-based): chr11:95,790,709, C>G. VCF-style: chr11-95790709-C-G. GRCh37 (hg19) VCF-style: chr11-95523873-C-G.
Other names: c.11C>G (NM_014679.4); c.-61C>G (NM_001243776.2); c.11C>G, p.Ala4Gly (NM_001243777.2); c.-384C>G (NM_001363604.2); short protein forms A4G.
Identifiers: ClinVar variation 1428423 (VCV001428423.9), dbSNP rs563708574, ClinGen allele CA6239295.